The following is an entry in ClinVar:

ClinVar aggregate classification (germline): Benign/Likely benign. Review status: criteria provided, multiple submitters, no conflicts (2 of 4 stars). 4 submissions from 4 submitters: Benign (2); Likely benign (2). Last evaluated 2025-11-22.

Conditions:
PDE6A-related disorder. Also called: PDE6A-related condition.

Allele frequency attached by ClinVar (database versions not stated): ExAC 0.00012; gnomAD exomes 0.00014; ESP Exome Variant Server 0.00023; TOPMed 0.00029; gnomAD 0.00038.
gnomAD v4.1: 157 of 1,613,396 alleles (0.0097%); highest among the groups gnomAD compares: South Asian, 0.085%; 2 homozygotes.

Submissions (4):

Labcorp Genetics (formerly Invitae), Labcorp
Classification: Benign. Last evaluated: 2025-11-22. Review status: criteria provided, single submitter. Criteria: Invitae Variant Classification Sherloc (09022015). Collection method: clinical testing. Allele origin: germline.

PreventionGenetics, part of Exact Sciences
Classification: Likely benign for PDE6A-related condition. Last evaluated: 2025-06-17. Review status: criteria provided, single submitter. Criteria: ACMG Guidelines, 2015. Collection method: clinical testing. Allele origin: germline.
Comment: This variant is classified as likely benign based on ACMG/AMP sequence variant interpretation guidelines (Richards et al. 2015 PMID: 25741868, with internal and published modifications).

Blueprint Genetics
Classification: Likely benign. Last evaluated: 2024-07-02. Review status: criteria provided, single submitter. Criteria: ACMG Guidelines, 2015. Collection method: clinical testing. Allele origin: germline.

GeneDx
Classification: Benign. Last evaluated: 2015-03-03. Review status: criteria provided, single submitter. Criteria: GeneDx Variant Classification Process June 2021. Collection method: clinical testing. Allele origin: germline. Affected: yes.

NM_000440.3(PDE6A):c.456C>T (p.Asn152=)

Gene: PDE6A (phosphodiesterase 6A; minus strand). Cytogenetic location: 5q32.
Variant type: single nucleotide variant.
Coding change: c.456C>T on transcript NM_000440.3 (MANE Select); coding-DNA position 456, C replaced by T.
Protein change: p.Asn152=; no amino-acid change (asparagine 152 retained).
Molecular consequence: synonymous variant.
Genome position (GRCh38, 1-based): chr5:149,944,218, G>A on the plus strand (C>T on the coding strand, the complement: PDE6A is on the minus strand). VCF-style: chr5-149944218-G-A. GRCh37 (hg19) VCF-style: chr5-149323781-G-A.
Identifiers: ClinVar variation 764019 (VCV000764019.14), dbSNP rs149256612, ClinGen allele CA3505052.
Genomic context (GRCh38, chr5:149,944,218, plus strand): 5'-TAATAATGCCCCATGCCCTCTCTCTCATGGGGAAGAGAGTACCTCCTCTGTGTTGGGGAC[G>A]TTAGCAATCTTCTTAGAGTGTGCGACATGGCCCACGATGCCCATGTCCAAAGGGAAGACG-3'
Protein context (NP_000431.2, residues 142-162): GHVAHSKKIA[Asn152=]VPNTEEDEHF